The following is an entry in ClinVar:

ClinVar aggregate classification (germline): Likely benign. Review status: criteria provided, multiple submitters, no conflicts (2 of 4 stars). 2 submissions from 2 submitters: Likely benign (2). Last evaluated 2026-05-01.

Submissions (2):

CeGaT Center for Human Genetics Tuebingen
Classification: Likely benign. Last evaluated: 2026-05-01. Review status: criteria provided, single submitter. Criteria: CeGaT Center For Human Genetics Tuebingen Variant Classification Criteria Version 2. Collection method: clinical testing. Allele origin: germline. Affected: yes. Observed: 1 variant allele.
Comment: BRD4: PM2:Supporting, BP4, BP7

Labcorp Genetics (formerly Invitae), Labcorp
Classification: Likely benign. Last evaluated: 2025-09-02. Review status: criteria provided, single submitter. Criteria: Invitae Variant Classification Sherloc (09022015). Collection method: clinical testing. Allele origin: germline.

NM_001379291.1(BRD4):c.2892C>T (p.Pro964=)

Gene: BRD4 (bromodomain containing 4; minus strand). Cytogenetic location: 19p13.12.
Variant type: single nucleotide variant.
Coding change: c.2892C>T on transcript NM_001379291.1 (MANE Select); coding-DNA position 2892, C replaced by T.
Protein change: p.Pro964=; no amino-acid change (proline 964 retained).
Molecular consequence: synonymous variant.
Genome position (GRCh38, 1-based): chr19:15,243,177, G>A on the plus strand (C>T on the coding strand, the complement: BRD4 is on the minus strand). VCF-style: chr19-15243177-G-A. GRCh37 (hg19) VCF-style: chr19-15353988-G-A.
Other names: c.2892C>T, p.Pro964= (NM_058243.3).
Identifiers: ClinVar variation 4705182 (VCV004705182.3).